The following is an entry in ClinVar:

ClinVar aggregate classification (germline): Uncertain significance (1 of 4 stars; one submission).

Submission:

Labcorp Genetics (formerly Invitae), Labcorp
Classification: Uncertain significance. Last evaluated: 2025-12-08. Review status: criteria provided, single submitter. Criteria: Invitae Variant Classification Sherloc (09022015). Collection method: clinical testing. Allele origin: germline.
Comment: This sequence change creates a premature translational stop signal (p.Val734Tyrfs*19) in the CFB gene. While this is not anticipated to result in nonsense mediated decay, it is expected to disrupt the last 31 amino acid(s) of the CFB protein. This variant is not present in population databases (gnomAD no frequency). This variant has not been reported in the literature in individuals affected with CFB-related conditions. In summary, the available evidence is currently insufficient to determine the role of this variant in disease. Therefore, it has been classified as a Variant of Uncertain Significance.

NM_001710.6(CFB):c.2200del (p.Val734fs)

Gene: CFB (complement factor B; plus strand). Cytogenetic location: 6p21.33.
Variant type: Deletion.
Coding change: c.2200del on transcript NM_001710.6 (MANE Select); coding-DNA position 2200, one base deleted (G; older notation c.2200delG).
Protein change: p.Val734fs; shifts the reading frame from valine 734.
Molecular consequence: frameshift variant.
Genome position (GRCh38, 1-based): chr6:31,951,935, G deleted; the last of 2 consecutive G bases (chr6:31,951,934-31,951,935); deleting either gives the same sequence. VCF-style (leftmost placement, unchanged base first): chr6-31951933-AG-A. GRCh37 (hg19) VCF-style: chr6-31919710-AG-A.
Other names: short protein forms V734fs.
Identifiers: ClinVar variation 4732419 (VCV004732419.1).